The following is an entry in ClinVar:

ClinVar aggregate classification (germline): Uncertain significance (1 of 4 stars; one submission).

gnomAD v4.1: 5 of 1,614,178 alleles (0.00031%); highest among the groups gnomAD compares: East Asian, 0.0045%; no homozygotes.

Submission:

GeneDx
Classification: Uncertain significance. Last evaluated: 2026-01-22. Review status: criteria provided, single submitter. Criteria: GeneDx Variant Classification Process June 2021. Collection method: clinical testing. Allele origin: germline.
Comment: Not observed at significant frequency in large population cohorts (gnomAD); In silico analysis suggests that this missense variant does not alter protein structure/function; Has not been previously published as pathogenic or benign to our knowledge

NM_182961.4(SYNE1):c.9970G>A (p.Glu3324Lys)

Gene: SYNE1 (spectrin repeat containing nuclear envelope protein 1; minus strand). Cytogenetic location: 6q25.2.
Variant type: single nucleotide variant.
Coding change: c.9970G>A on transcript NM_182961.4 (MANE Select); coding-DNA position 9970, G replaced by A.
Protein change: p.Glu3324Lys; replaces glutamic acid 3324 with lysine.
Molecular consequence: missense variant.
Genome position (GRCh38, 1-based): chr6:152,367,220, C>T on the plus strand (G>A on the coding strand, the complement: SYNE1 is on the minus strand). VCF-style: chr6-152367220-C-T. GRCh37 (hg19) VCF-style: chr6-152688355-C-T.
Other names: c.9991G>A, p.Glu3331Lys (NM_033071.5); short protein forms E3324K, E3331K.
Identifiers: ClinVar variation 4975359 (VCV004975359.1).